The following is an entry in ClinVar:

ClinVar aggregate classification (germline): Uncertain significance. Review status: criteria provided, multiple submitters, no conflicts (2 of 4 stars). 2 submissions from 2 submitters: Uncertain significance (2). Last evaluated 2023-05-25.

Conditions:
DYNC1H1-related disorder. Also called: DYNC1H1-related condition; DYNC1H1-related disorders. Identifiers: MedGen CN381529.
Charcot-Marie-Tooth disease axonal type 2O. Also called: Charcot-Marie-Tooth Neuropathy Type 2O; CHARCOT-MARIE-TOOTH NEUROPATHY, AXONAL, TYPE 2O; CHARCOT-MARIE-TOOTH DISEASE, AXONAL, AUTOSOMAL DOMINANT, TYPE 2O; Charcot-Marie-Tooth disease, axonal, type 20. Identifiers: Orphanet 284232, MedGen C3280220, MONDO:0013644, OMIM 614228.

Submissions (2):

PreventionGenetics, part of Exact Sciences
Classification: Uncertain significance for DYNC1H1-related condition. Last evaluated: 2023-05-25. Review status: criteria provided, single submitter. Criteria: ACMG Guidelines, 2015. Collection method: clinical testing. Allele origin: germline.
Comment: The DYNC1H1 c.7951G>A variant is predicted to result in the amino acid substitution p.Ala2651Thr. To our knowledge, this variant has not been reported in the literature or in a large population database, indicating this variant is rare. At this time, the clinical significance of this variant is uncertain due to the absence of conclusive functional and genetic evidence.

Labcorp Genetics (formerly Invitae), Labcorp
Classification: Uncertain significance for Charcot-Marie-Tooth disease axonal type 2O. Last evaluated: 2023-05-15. Review status: criteria provided, single submitter. Criteria: Invitae Variant Classification Sherloc (09022015). Collection method: clinical testing. Allele origin: germline.
Comment: This variant has not been reported in the literature in individuals affected with DYNC1H1-related conditions. This variant is not present in population databases (gnomAD no frequency). This sequence change replaces alanine, which is neutral and non-polar, with threonine, which is neutral and polar, at codon 2651 of the DYNC1H1 protein (p.Ala2651Thr). In summary, the available evidence is currently insufficient to determine the role of this variant in disease. Therefore, it has been classified as a Variant of Uncertain Significance. Advanced modeling of protein sequence and biophysical properties (such as structural, functional, and spatial information, amino acid conservation, physicochemical variation, residue mobility, and thermodynamic stability) has been performed at Invitae for this missense variant, however the output from this modeling did not meet the statistical confidence thresholds required to predict the impact of this variant on DYNC1H1 protein function. ClinVar contains an entry for this variant (Variation ID: 860418).

NM_001376.5(DYNC1H1):c.7951G>A (p.Ala2651Thr)

Gene: DYNC1H1 (dynein cytoplasmic 1 heavy chain 1; plus strand). Cytogenetic location: 14q32.31.
Variant type: single nucleotide variant.
Coding change: c.7951G>A on transcript NM_001376.5 (MANE Select); coding-DNA position 7951, G replaced by A.
Protein change: p.Ala2651Thr; replaces alanine 2651 with threonine.
Molecular consequence: missense variant.
Genome position (GRCh38, 1-based): chr14:102,017,190, G>A. VCF-style: chr14-102017190-G-A. GRCh37 (hg19) VCF-style: chr14-102483527-G-A.
Other names: short protein forms A2651T.
Identifiers: ClinVar variation 860418 (VCV000860418.10), dbSNP rs1240479409, ClinGen allele CA391003751.
Genomic context (GRCh38, chr14:102,017,190, plus strand): 5'-CTTCTGAAGACTTTTGATCACTACTGCGAGTACAGGCGCACACCTAATGGGGTGGTTTTG[G>A]CTCCTGTTCAACTTGGAAAGTGGCTGGTGTTGTTCTGTGATGAAATCAACTTGCCAGATA-3'
Protein context (NP_001367.2, residues 2641-2661): YRRTPNGVVL[Ala2651Thr]PVQLGKWLVL